The following is an entry in ClinVar:

NM_014014.5(SNRNP200):c.3175A>G (p.Ile1059Val)

Gene: SNRNP200 (small nuclear ribonucleoprotein U5 subunit 200; minus strand). Cytogenetic location: 2q11.2.
Variant type: single nucleotide variant.
Coding change: c.3175A>G on transcript NM_014014.5 (MANE Select); coding-DNA position 3175, A replaced by G.
Protein change: p.Ile1059Val; replaces isoleucine 1059 with valine.
Molecular consequence: missense variant.
Genome position (GRCh38, 1-based): chr2:96,288,746, T>C on the plus strand (A>G on the coding strand, the complement: SNRNP200 is on the minus strand). VCF-style: chr2-96288746-T-C. GRCh37 (hg19) VCF-style: chr2-96954484-T-C.
Other names: short protein forms I1059V.
Identifiers: ClinVar variation 2704998 (VCV002704998.3), dbSNP rs1408145212, ClinGen allele CA347673665.
Genomic context (GRCh38, chr2:96,288,746, plus strand): 5'-CCATCAGTGCAAAGCCCTCCAATTTCAGCTGTGAGATGAAGGCTTGCAGAAGAACGTTGA[T>C]CTGTAAAGAAGCAAAATCAGCCAGCAGGAGACCAATCACTGAACAGTCCAAGAAAGGGAA-3'
Protein context (NP_054733.2, residues 1049-1069): KESIEEPSAK[Ile1059Val]NVLLQAFISQ

ClinVar aggregate classification (germline): Uncertain significance (1 of 4 stars; one submission).

Submission:

Labcorp Genetics (formerly Invitae), Labcorp
Classification: Uncertain significance. Last evaluated: 2024-01-02. Review status: criteria provided, single submitter. Criteria: Invitae Variant Classification Sherloc (09022015). Collection method: clinical testing. Allele origin: germline.
Comment: This sequence change replaces isoleucine, which is neutral and non-polar, with valine, which is neutral and non-polar, at codon 1059 of the SNRNP200 protein (p.Ile1059Val). This variant is not present in population databases (gnomAD no frequency). This variant has not been reported in the literature in individuals affected with SNRNP200-related conditions. An algorithm developed to predict the effect of missense changes on protein structure and function (PolyPhen-2) suggests that this variant is likely to be tolerated. In summary, the available evidence is currently insufficient to determine the role of this variant in disease. Therefore, it has been classified as a Variant of Uncertain Significance.